The following is an entry in ClinVar:

NM_005585.5(SMAD6):c.1375T>A (p.Tyr459Asn)

Gene: SMAD6 (SMAD family member 6; plus strand). Cytogenetic location: 15q22.31.
Variant type: single nucleotide variant.
Coding change: c.1375T>A on transcript NM_005585.5 (MANE Select); coding-DNA position 1375, T replaced by A.
Protein change: p.Tyr459Asn; replaces tyrosine 459 with asparagine.
Molecular consequence: missense variant. On other transcripts: non-coding transcript variant (1).
Genome position (GRCh38, 1-based): chr15:66,781,419, T>A. VCF-style: chr15-66781419-T-A. GRCh37 (hg19) VCF-style: chr15-67073757-T-A.
Other names: short protein forms Y459N.
Identifiers: ClinVar variation 1976327 (VCV001976327.5), dbSNP rs2541899523, ClinGen allele CA393202401.

ClinVar aggregate classification (germline): Uncertain significance (1 of 4 stars; one submission).

Conditions:
Aortic valve disease 2 (AOVD2). Identifiers: MedGen C3542024, MONDO:0013902, OMIM 614823.

Submission:

Labcorp Genetics (formerly Invitae), Labcorp
Classification: Uncertain significance for Aortic valve disease 2. Last evaluated: 2022-11-08. Review status: criteria provided, single submitter. Criteria: Invitae Variant Classification Sherloc (09022015). Collection method: clinical testing. Allele origin: germline.
Comment: This variant is not present in population databases (gnomAD no frequency). This sequence change replaces tyrosine, which is neutral and polar, with asparagine, which is neutral and polar, at codon 459 of the SMAD6 protein (p.Tyr459Asn). In summary, the available evidence is currently insufficient to determine the role of this variant in disease. Therefore, it has been classified as a Variant of Uncertain Significance. Advanced modeling of protein sequence and biophysical properties (such as structural, functional, and spatial information, amino acid conservation, physicochemical variation, residue mobility, and thermodynamic stability) performed at Invitae indicates that this missense variant is not expected to disrupt SMAD6 protein function. This variant has not been reported in the literature in individuals affected with SMAD6-related conditions.